The following is an entry in ClinVar:

NM_017636.4(TRPM4):c.277C>G (p.Leu93Val)

Gene: TRPM4 (transient receptor potential cation channel subfamily M member 4; plus strand). Cytogenetic location: 19q13.33.
Variant type: single nucleotide variant.
Coding change: c.277C>G on transcript NM_017636.4 (MANE Select); coding-DNA position 277, C replaced by G.
Protein change: p.Leu93Val; replaces leucine 93 with valine.
Molecular consequence: missense variant. On other transcripts: intron variant (4).
Genome position (GRCh38, 1-based): chr19:49,167,926, C>G. VCF-style: chr19-49167926-C-G. GRCh37 (hg19) VCF-style: chr19-49671183-C-G.
Other names: c.277C>G, p.Leu93Val (NM_001195227.2); c.-1105-334C>G (NM_001321282.2); c.268-627C>G (NM_001321281.2); c.-74-334C>G (NM_001321283.2); c.-237-627C>G (NM_001321285.2); short protein forms L93V.
Identifiers: ClinVar variation 850292 (VCV000850292.9), dbSNP rs982642803, ClinGen allele CA309430632.

ClinVar aggregate classification (germline): Uncertain significance (1 of 4 stars; one submission).

Conditions:
Progressive familial heart block type IB (PFHB1B). Identifiers: Orphanet 871, MedGen C1970298, MONDO:0011474, OMIM 604559.

Allele frequency attached by ClinVar (database versions not stated): TOPMed 0.00002.

Submission:

Labcorp Genetics (formerly Invitae), Labcorp
Classification: Uncertain significance for Progressive familial heart block type IB. Last evaluated: 2022-04-11. Review status: criteria provided, single submitter. Criteria: Invitae Variant Classification Sherloc (09022015). Collection method: clinical testing. Allele origin: germline.
Comment: In summary, the available evidence is currently insufficient to determine the role of this variant in disease. Therefore, it has been classified as a Variant of Uncertain Significance. Algorithms developed to predict the effect of missense changes on protein structure and function (SIFT, PolyPhen-2, Align-GVGD) all suggest that this variant is likely to be tolerated. ClinVar contains an entry for this variant (Variation ID: 850292). This variant has not been reported in the literature in individuals affected with TRPM4-related conditions. This variant is not present in population databases (gnomAD no frequency). This sequence change replaces leucine, which is neutral and non-polar, with valine, which is neutral and non-polar, at codon 93 of the TRPM4 protein (p.Leu93Val).